The following is an entry in ClinVar:

ClinVar aggregate classification (germline): Uncertain significance. Review status: criteria provided, multiple submitters, no conflicts (2 of 4 stars). 3 submissions from 3 submitters: Uncertain significance (3). Last evaluated 2025-09-19.

Allele frequency attached by ClinVar (database versions not stated): gnomAD exomes 0.00001 and 0.00002; ExAC 0.00002; TOPMed 0.00010; gnomAD 0.00013.

Submissions (3):

Labcorp Genetics (formerly Invitae), Labcorp
Classification: Uncertain significance. Last evaluated: 2025-09-19. Review status: criteria provided, single submitter. Criteria: Invitae Variant Classification Sherloc (09022015). Collection method: clinical testing. Allele origin: germline.
Comment: This sequence change replaces proline, which is neutral and non-polar, with leucine, which is neutral and non-polar, at codon 1161 of the TRIOBP protein (p.Pro1161Leu). This variant is present in population databases (rs763218276, gnomAD 0.03%). This variant has not been reported in the literature in individuals affected with TRIOBP-related conditions. ClinVar contains an entry for this variant (Variation ID: 1313151). An algorithm developed to predict the effect of missense changes on protein structure and function (PolyPhen-2) suggests that this variant is likely to be disruptive. In summary, the available evidence is currently insufficient to determine the role of this variant in disease. Therefore, it has been classified as a Variant of Uncertain Significance.

Mayo Clinic Laboratories, Mayo Clinic
Classification: Uncertain significance. Last evaluated: 2022-09-09. Review status: criteria provided, single submitter. Criteria: ACMG Guidelines, 2015. Collection method: clinical testing. Allele origin: germline. Observed: 1 variant allele.
Comment: BP4, PM2_supporting

GeneDx
Classification: Uncertain significance. Last evaluated: 2020-08-12. Review status: criteria provided, single submitter. Criteria: GeneDx Variant Classification Process June 2021. Collection method: clinical testing. Allele origin: germline. Affected: yes.
Comment: In silico analysis supports that this missense variant has a deleterious effect on protein structure/function; Has not been previously published as pathogenic or benign to our knowledge

Literature cited by the submitters: PubMed 36029164 (cited by Mayo Clinic Laboratories, Mayo Clinic).

NM_001039141.3(TRIOBP):c.3482C>T (p.Pro1161Leu)

Gene: TRIOBP (TRIO and F-actin binding protein; plus strand). Cytogenetic location: 22q13.1.
Variant type: single nucleotide variant.
Coding change: c.3482C>T on transcript NM_001039141.3 (MANE Select); coding-DNA position 3482, C replaced by T.
Protein change: p.Pro1161Leu; replaces proline 1161 with leucine.
Molecular consequence: missense variant.
Genome position (GRCh38, 1-based): chr22:37,726,038, C>T. VCF-style: chr22-37726038-C-T. GRCh37 (hg19) VCF-style: chr22-38122045-C-T.
Other names: p.Pro1161Leu; short protein forms P1161L.
Identifiers: ClinVar variation 1313151 (VCV001313151.6), dbSNP rs763218276, ClinGen allele CA10224137.
Genomic context (GRCh38, chr22:37,726,038, plus strand): 5'-GGGCCAGCACAGAGAGCCTTGTCCCTTCCATGGACTCTCTGCACGAGTGCCCCCACATCC[C>T]CACCCCTGTGTGCATTGGGCACCGGGATGCACCCTCCTTCTCATCCCCACCACGCCAGGC-3'
Protein context (NP_001034230.1, residues 1151-1171): MDSLHECPHI[Pro1161Leu]TPVCIGHRDA